The following is an entry in ClinVar:

NM_001276345.2(TNNT2):c.354_355delinsGT (p.His119Tyr)

Gene: TNNT2 (troponin T2, cardiac type; minus strand). Cytogenetic location: 1q32.1.
Variant type: Indel.
Coding change: c.354_355delinsGT on transcript NM_001276345.2 (MANE Select); coding-DNA positions 354 to 355, TC replaced by GT.
Protein change: p.His119Tyr; replaces histidine 119 with tyrosine.
Molecular consequence: missense variant. On other transcripts: intron variant (1).
Genome position (GRCh38, 1-based): chr1:201,365,247-201,365,248, GA replaced by AC on the plus strand (TC replaced by GT on the coding strand, the reverse complement: TNNT2 is on the minus strand). VCF-style: chr1-201365247-GA-AC. GRCh37 (hg19) VCF-style: chr1-201334375-GA-AC.
Other names: c.354_355delinsGT, p.His119Tyr (NM_000364.4); c.324_325delinsGT, p.His109Tyr (NM_001001430.3, NM_001001431.3, NM_001276347.2); c.309_310delinsGT, p.His104Tyr (NM_001001432.3); c.291+362_291+363delinsGT (NM_001276346.2); short protein forms H104Y, H109Y, H119Y.
Identifiers: ClinVar variation 229336 (VCV000229336.6), dbSNP rs876658027, ClinGen allele CA10576373.

ClinVar aggregate classification (germline): Conflicting classifications of pathogenicity. Review status: criteria provided, conflicting classifications (1 of 4 stars). 2 submissions from 2 submitters: Likely pathogenic (1); Uncertain significance (1). Last evaluated 2025-12-01.

Conditions:
Hypertrophic cardiomyopathy 2. Also called: TNNT2-Related Familial Hypertrophic Cardiomyopathy. Identifiers: MedGen C1861864, MONDO:0007266, OMIM 115195.
Dilated cardiomyopathy 1D. Identifiers: Orphanet 154, Orphanet 54260, MedGen C1832243, MONDO:0011095, OMIM 601494.
Cardiomyopathy, familial restrictive, 3. Identifiers: Orphanet 75249, MedGen C2676271, MONDO:0012900, OMIM 612422.
Primary dilated cardiomyopathy (DCM). Also called: Dilated Cardiomyopathy. Identifiers: Orphanet 217604, MedGen C0007193, MeSH D002311, MONDO:0005021, HP:0001644. Inheritance: Various modes of inheritance.

Submissions (2):

Labcorp Genetics (formerly Invitae), Labcorp
Classification: Uncertain significance for Cardiomyopathy, familial restrictive, 3; Hypertrophic cardiomyopathy 2; Dilated cardiomyopathy 1D. Last evaluated: 2025-12-01. Review status: criteria provided, single submitter. Criteria: Invitae Variant Classification Sherloc (09022015). Collection method: clinical testing. Allele origin: germline.
Comment: This sequence change replaces histidine, which is basic and polar, with tyrosine, which is neutral and polar, at codon 109 of the TNNT2 protein (p.His109Tyr). Information on the frequency of this variant in the gnomAD database is not available, as this variant may be reported differently in the database. This missense change has been observed in individual(s) with dilated cardiomyopathy (PMID: 24503780, 30871747, 31303467, 37652022). This variant is also known as p.His119Tyr. ClinVar contains an entry for this variant (Variation ID: 229336). Experimental studies and prediction algorithms are not available or were not evaluated, and the functional significance of this variant is currently unknown. In summary, the available evidence is currently insufficient to determine the role of this variant in disease. Therefore, it has been classified as a Variant of Uncertain Significance.

Laboratory for Molecular Medicine, Mass General Brigham Personalized Medicine
Classification: Likely pathogenic for Primary dilated cardiomyopathy. Last evaluated: 2017-11-16. Review status: criteria provided, single submitter. Criteria: LMM Criteria. Collection method: clinical testing. Allele origin: germline. Observed: 1 variant allele.
Comment: Both variants are absent in large population databases. In additio n, the histidine residue (His) at position 109 is highly conserved in mammals an d across evolutionary distant species and the change to amino acid Tyrosine (Tyr ) at this position is predicted to be pathogenic using a computational tool clin ically validated by our laboratory (Jordan 2011). In summary, although additiona l studies are required to fully establish its clinical significance, the p.His10 9Tyr variant is likely pathogenic. ACMG/AMP Criteria applied: PS2; PM2; PP3.

Literature cited by the submitters: PubMed 24503780 (cited by Labcorp Genetics (formerly Invitae), Labcorp); PubMed 30871747 (cited by Labcorp Genetics (formerly Invitae), Labcorp); PubMed 31303467 (cited by Labcorp Genetics (formerly Invitae), Labcorp); PubMed 37652022 (cited by Labcorp Genetics (formerly Invitae), Labcorp).